The following is an entry in ClinVar:

ClinVar aggregate classification (germline): Benign/Likely benign. Review status: criteria provided, multiple submitters, no conflicts (2 of 4 stars). 6 submissions from 6 submitters: Benign (2); Likely benign (1). 3 of the submissions do not count toward it. Last evaluated 2026-02-01.

Conditions:
CEP78-related disorder. Also called: CEP78-related condition.

Allele frequency attached by ClinVar (database versions not stated): gnomAD exomes 0.00040 and 0.00089; ExAC 0.00237; gnomAD 0.00341 and 0.00362; TOPMed 0.00349; ESP Exome Variant Server 0.00370; 1000 Genomes Project 0.00399; 1000 Genomes Project 30x 0.00422.
gnomAD v4.1: 1,125 of 1,590,198 alleles (0.071%); highest among the groups gnomAD compares: African/African-American, 1.2%; 5 homozygotes.

Submissions (6):

Labcorp Genetics (formerly Invitae), Labcorp
Classification: Benign. Last evaluated: 2026-02-01. Review status: criteria provided, single submitter. Criteria: Invitae Variant Classification Sherloc (09022015). Collection method: clinical testing. Allele origin: germline.

Blueprint Genetics
Classification: Likely benign. Last evaluated: 2024-09-12. Review status: criteria provided, single submitter. Criteria: ACMG Guidelines, 2015. Collection method: clinical testing. Allele origin: germline.

Breakthrough Genomics
Classification: Benign. Review status: criteria provided, single submitter. Criteria: ACMG Guidelines, 2015. Collection method: not provided. Allele origin: germline. Inheritance: Autosomal recessive inheritance. Affected: yes.

PreventionGenetics, part of Exact Sciences
Classification: Benign for CEP78-related condition. Last evaluated: 2024-03-05. Review status: no assertion criteria provided. Collection method: clinical testing. Allele origin: germline. Not counted in ClinVar's aggregate classification.
Comment: This variant is classified as benign based on ACMG/AMP sequence variant interpretation guidelines (Richards et al. 2015 PMID: 25741868, with internal and published modifications).

Clinical Genetics DNA and cytogenetics Diagnostics Lab, Erasmus MC, Erasmus Medical Center
Classification: Benign. Review status: no assertion criteria provided. Collection method: clinical testing. Allele origin: germline. Affected: yes. Study: VKGL Data-share Consensus. Not counted in ClinVar's aggregate classification.

Clinical Genetics, Academic Medical Center
Classification: Likely benign. Review status: no assertion criteria provided. Collection method: clinical testing. Allele origin: germline. Affected: yes. Study: VKGL Data-share Consensus. Not counted in ClinVar's aggregate classification.

NM_001330691.3(CEP78):c.35C>T (p.Ala12Val)

Gene: CEP78 (centrosomal protein 78; plus strand). Cytogenetic location: 9q21.2.
Variant type: single nucleotide variant.
Coding change: c.35C>T on transcript NM_001330691.3 (MANE Select); coding-DNA position 35, C replaced by T.
Protein change: p.Ala12Val; replaces alanine 12 with valine.
Molecular consequence: missense variant.
Genome position (GRCh38, 1-based): chr9:78,236,385, C>T. VCF-style: chr9-78236385-C-T. GRCh37 (hg19) VCF-style: chr9-80851301-C-T.
Other names: c.35C>T, p.Ala12Val (NM_001098802.3, NM_001330693.3, NM_001330694.2 and 4 more transcripts); short protein forms A12V.
Identifiers: ClinVar variation 731106 (VCV000731106.17), dbSNP rs182452644, ClinGen allele CA5094787.